The following is an entry in ClinVar:

NM_000478.6(ALPL):c.1066G>A (p.Asp356Asn)

Gene: ALPL (alkaline phosphatase, biomineralization associated; plus strand). Cytogenetic location: 1p36.12.
Variant type: single nucleotide variant.
Coding change: c.1066G>A on transcript NM_000478.6 (MANE Select); coding-DNA position 1066, G replaced by A.
Protein change: p.Asp356Asn; replaces aspartic acid 356 with asparagine.
Molecular consequence: missense variant.
Genome position (GRCh38, 1-based): chr1:21,575,801, G>A. VCF-style: chr1-21575801-G-A. GRCh37 (hg19) VCF-style: chr1-21902294-G-A.
Other names: c.901G>A, p.Asp301Asn (NM_001127501.4); c.835G>A, p.Asp279Asn (NM_001177520.3); c.1066G>A, p.Asp356Asn (NM_001369803.2, NM_001369804.2, NM_001369805.2); short protein forms D279N, D301N, D356N.
Identifiers: ClinVar variation 4086864 (VCV004086864.1).

ClinVar aggregate classification (germline): Uncertain significance (1 of 4 stars; one submission).

Conditions:
Hypophosphatasia. Also called: Phosphoethanol-aminuria. Identifiers: Orphanet 436, MedGen C0020630, MeSH D007014, MONDO:0018570.

Submission:

Genomenon, Inc
Classification: Uncertain significance for Hypophosphatasia. Last evaluated: 2025-08-29. Review status: criteria provided, single submitter. Criteria: Genomenon Sequence Variant Interpretation Standards. Collection method: curation. Allele origin: germline. Affected: yes.
Comment: ALPL c.1066G>A is a missense variant that changes the amino acid at residue 356 from Aspartic acid to Asparagine. This variant has been observed in at least one proband affected with hypophosphatasia (PMID:36361766). It is absent or not present at a significant frequency in gnomAD. In silico models agree that this variant is possibly or probably damaging. In conclusion, we classify ALPL p.Asp356Asn (c.1066G>A) as a variant of unknown significance.

Literature cited by the submitters: PubMed 36361766.